The following is an entry in ClinVar:

ClinVar aggregate classification (germline): Uncertain significance (1 of 4 stars; one submission).

Conditions:
Hereditary nonpolyposis colorectal neoplasms. Identifiers: MedGen C0009405, MeSH D003123.

Allele frequency attached by ClinVar (database versions not stated): gnomAD 0.00001.
gnomAD v4.1: 2 of 1,614,038 alleles (0.00012%); highest among the groups gnomAD compares: Non-Finnish European, 0.00017%; no homozygotes.

Submission:

Labcorp Genetics (formerly Invitae), Labcorp
Classification: Uncertain significance for Hereditary nonpolyposis colorectal neoplasms. Last evaluated: 2023-12-30. Review status: criteria provided, single submitter. Criteria: Invitae Variant Classification Sherloc (09022015). Collection method: clinical testing. Allele origin: germline.
Comment: This sequence change replaces threonine, which is neutral and polar, with serine, which is neutral and polar, at codon 429 of the PMS2 protein (p.Thr429Ser). This variant is present in population databases (no rsID available, gnomAD 0.01%). This variant has not been reported in the literature in individuals affected with PMS2-related conditions. Advanced modeling of protein sequence and biophysical properties (such as structural, functional, and spatial information, amino acid conservation, physicochemical variation, residue mobility, and thermodynamic stability) performed at Invitae indicates that this missense variant is not expected to disrupt PMS2 protein function with a negative predictive value of 80%. In summary, the available evidence is currently insufficient to determine the role of this variant in disease. Therefore, it has been classified as a Variant of Uncertain Significance.

NM_000535.7(PMS2):c.1285A>T (p.Thr429Ser)

Gene: PMS2 (PMS1 homolog 2, mismatch repair system component; minus strand). Cytogenetic location: 7p22.1.
Variant type: single nucleotide variant.
Coding change: c.1285A>T on transcript NM_000535.7 (MANE Select); coding-DNA position 1285, A replaced by T.
Protein change: p.Thr429Ser; replaces threonine 429 with serine.
Molecular consequence: missense variant. On other transcripts: non-coding transcript variant (1), intron variant (1).
Genome position (GRCh38, 1-based): chr7:5,987,480, T>A on the plus strand (A>T on the coding strand, the complement: PMS2 is on the minus strand). VCF-style: chr7-5987480-T-A. GRCh37 (hg19) VCF-style: chr7-6027111-T-A.
Other names: c.976A>T, p.Thr326Ser (NM_001406878.1, NM_001406879.1, NM_001406880.1 and 5 more transcripts); c.967A>T, p.Thr323Ser (NM_001406883.1, NM_001406903.1, NM_001322007.2 and 2 more transcripts); c.961A>T, p.Thr321Ser (NM_001406884.1); c.949A>T, p.Thr317Ser (NM_001406885.1); c.919A>T, p.Thr307Ser (NM_001406886.1); c.880A>T, p.Thr294Ser (NM_001406887.1, NM_001406897.1, NM_001406898.1 and 17 more transcripts); c.820A>T, p.Thr274Ser (NM_001406900.1); c.811A>T, p.Thr271Ser (NM_001406901.1, NM_001406902.1); and 13 more; short protein forms T294S, T321S, T393S, T429S, T491S, T271S, T437S, T242S.
Identifiers: ClinVar variation 2706559 (VCV002706559.3), dbSNP rs1450566410, ClinGen allele CA366742414.